The following is an entry in ClinVar:

ClinVar aggregate classification (germline): Conflicting classifications of pathogenicity. Review status: criteria provided, conflicting classifications (1 of 4 stars). 3 submissions from 3 submitters: Uncertain significance (2); Likely benign (1). Last evaluated 2025-04-15.

Conditions:
Deficiency of aromatic-L-amino-acid decarboxylase. Also called: Aromatic amino acid decarboxylase deficiency; Aromatic L-Amino Acid Decarboxylase Deficiency; AADC DEFICIENCY; DDC DEFICIENCY; DOPA DECARBOXYLASE DEFICIENCY. Identifiers: Orphanet 35708, MedGen C1291564, MONDO:0012084, OMIM 608643.

Allele frequency attached by ClinVar (database versions not stated): gnomAD below 0.00001 and 0.00003; TOPMed below 0.00001; gnomAD exomes 0.00003 and 0.00010; ExAC 0.00007.
gnomAD v4.1: 53 of 1,614,186 alleles (0.0033%); highest among the groups gnomAD compares: South Asian, 0.058%; 1 homozygote.

Submissions (3):

GeneDx
Classification: Uncertain significance. Last evaluated: 2025-04-15. Review status: criteria provided, single submitter. Criteria: GeneDx Variant Classification Process June 2021. Collection method: clinical testing. Allele origin: germline. Affected: yes.
Comment: In silico analysis supports a deleterious effect on splicing; Has not been previously published as pathogenic or benign to our knowledge

Labcorp Genetics (formerly Invitae), Labcorp
Classification: Likely benign for Deficiency of aromatic-L-amino-acid decarboxylase. Last evaluated: 2025-01-17. Review status: criteria provided, single submitter. Criteria: Invitae Variant Classification Sherloc (09022015). Collection method: clinical testing. Allele origin: germline.

Illumina Laboratory Services, Illumina
Classification: Uncertain significance for Deficiency of aromatic-L-amino-acid decarboxylase. Last evaluated: 2018-01-13. Review status: criteria provided, single submitter. Criteria: ICSL Variant Classification Criteria 13 December 2019. Collection method: clinical testing. Allele origin: germline.

NM_001082971.2(DDC):c.436-6A>G

Gene: DDC (dopa decarboxylase; minus strand). Cytogenetic location: 7p12.1.
Variant type: single nucleotide variant.
Coding change: c.436-6A>G on transcript NM_001082971.2 (MANE Select); 6 bases into the intron before coding-DNA position 436, A replaced by G.
Molecular consequence: intron variant.
Genome position (GRCh38, 1-based): chr7:50,529,348, T>C on the plus strand (A>G on the coding strand, the complement: DDC is on the minus strand). VCF-style: chr7-50529348-T-C. GRCh37 (hg19) VCF-style: chr7-50597046-T-C.
Other names: c.202-6A>G (NM_001242888.2); c.322-6A>G (NM_001242886.2); c.435+8512A>G (NM_001242889.2); c.436-6A>G (NM_001242887.2, NM_000790.4, NM_001242890.2).
Identifiers: ClinVar variation 909253 (VCV000909253.10), dbSNP rs770694855, ClinGen allele CA4262366.